The following is an entry in ClinVar:

NM_030662.4(MAP2K2):c.8C>T (p.Ala3Val)

Genes: MAP2K2 (mitogen-activated protein kinase kinase 2; minus strand), LOC130063193 (ATAC-STARR-seq lymphoblastoid silent region 9881; plus strand). Cytogenetic location: 19p13.3.
Variant type: single nucleotide variant.
Coding change: c.8C>T on transcript NM_030662.4 (MANE Select); coding-DNA position 8, C replaced by T.
Protein change: p.Ala3Val; replaces alanine 3 with valine.
Molecular consequence: missense variant.
Genome position (GRCh38, 1-based): chr19:4,123,868, G>A on the plus strand (C>T on the coding strand, the complement: MAP2K2 is on the minus strand). VCF-style: chr19-4123868-G-A. GRCh37 (hg19) VCF-style: chr19-4123865-G-A.
Other names: c.8C>T, p.Ala3Val (NM_001440688.1); short protein forms A3V.
Identifiers: ClinVar variation 4751921 (VCV004751921.1).

ClinVar aggregate classification (germline): Uncertain significance (1 of 4 stars; one submission).

Conditions:
RASopathy. Also called: Noonan spectrum disorder; rasopathies. Identifiers: Orphanet 536391, MedGen C5555857, MONDO:0021060.

Submission:

Labcorp Genetics (formerly Invitae), Labcorp
Classification: Uncertain significance for RASopathy. Last evaluated: 2025-07-18. Review status: criteria provided, single submitter. Criteria: Invitae Variant Classification Sherloc (09022015). Collection method: clinical testing. Allele origin: germline.
Comment: This sequence change replaces alanine, which is neutral and non-polar, with valine, which is neutral and non-polar, at codon 3 of the MAP2K2 protein (p.Ala3Val). This variant is not present in population databases (gnomAD no frequency). This variant has not been reported in the literature in individuals affected with MAP2K2-related conditions. Invitae Evidence Modeling of protein sequence and biophysical properties (such as structural, functional, and spatial information, amino acid conservation, physicochemical variation, residue mobility, and thermodynamic stability) has been performed for this missense variant. However, the output from this modeling did not meet the statistical confidence thresholds required to predict the impact of this variant on MAP2K2 protein function. In summary, the available evidence is currently insufficient to determine the role of this variant in disease. Therefore, it has been classified as a Variant of Uncertain Significance.